The following is an entry in ClinVar:

ClinVar aggregate classification (germline): Uncertain significance (1 of 4 stars; one submission).

Conditions:
Hereditary cancer-predisposing syndrome. Also called: Neoplastic Syndromes, Hereditary; Tumor predisposition; Hereditary neoplastic syndrome; Hereditary Cancer Syndrome. Identifiers: Orphanet 140162, MedGen C0027672, MeSH D009386, MONDO:0015356.
Cardiovascular phenotype. Identifiers: MedGen CN230736.

Submission:

Ambry Genetics
Classification: Uncertain significance for Cardiovascular phenotype; Hereditary cancer-predisposing syndrome. Last evaluated: 2023-11-15. Review status: criteria provided, single submitter. Criteria: Ambry Variant Classification Scheme 2023. Collection method: clinical testing. Allele origin: germline.
Comment: The p.S622P variant (also known as c.1864T>C), located in coding exon 16 of the LZTR1 gene, results from a T to C substitution at nucleotide position 1864. The serine at codon 622 is replaced by proline, an amino acid with similar properties. This amino acid position is conserved. In addition, this alteration is predicted to be tolerated by in silico analysis. Since supporting evidence is limited at this time, the clinical significance of this alteration remains unclear.

NM_006767.4(LZTR1):c.1864T>C (p.Ser622Pro)

Gene: LZTR1 (leucine zipper like post translational regulator 1; plus strand). Cytogenetic location: 22q11.21.
Variant type: single nucleotide variant.
Coding change: c.1864T>C on transcript NM_006767.4 (MANE Select); coding-DNA position 1864, T replaced by C.
Protein change: p.Ser622Pro; replaces serine 622 with proline.
Molecular consequence: missense variant.
Genome position (GRCh38, 1-based): chr22:20,994,948, T>C. VCF-style: chr22-20994948-T-C. GRCh37 (hg19) VCF-style: chr22-21349237-T-C.
Other names: short protein forms S622P.
Identifiers: ClinVar variation 3238152 (VCV003238152.1), dbSNP rs2518622492.